The following is an entry in ClinVar:

NM_001367561.1(DOCK7):c.6422A>C (p.Ter2141Ser)

Gene: DOCK7 (dedicator of cytokinesis 7; minus strand). Cytogenetic location: 1p31.3.
Variant type: single nucleotide variant.
Coding change: c.6422A>C on transcript NM_001367561.1 (MANE Select); coding-DNA position 6422, A replaced by C.
Protein change: p.Ter2141Ser.
Molecular consequence: stop lost.
Genome position (GRCh38, 1-based): chr1:62,455,415, T>G on the plus strand (A>C on the coding strand, the complement: DOCK7 is on the minus strand). VCF-style: chr1-62455415-T-G. GRCh37 (hg19) VCF-style: chr1-62921086-T-G.
Other names: *2130S; *2132S; *2141S; *2099S; *2101S; *2110S; c.6389A>C, p.Ter2130Ser (NM_001271999.2); c.6302A>C, p.Ter2101Ser (NM_001272000.2); and 3 more.
Identifiers: ClinVar variation 935280 (VCV000935280.8), dbSNP rs1202463736, ClinGen allele CA340628712.

ClinVar aggregate classification (germline): Uncertain significance (1 of 4 stars; one submission).

Conditions:
Developmental and epileptic encephalopathy, 23 (DEE23). Also called: Epileptic encephalopathy, early infantile, 23. Identifiers: Orphanet 411986, MedGen C4014492, MONDO:0014371, OMIM 615859.

Allele frequency attached by ClinVar (database versions not stated): gnomAD exomes below 0.00001; TOPMed 0.00002.
gnomAD v4.1: 2 of 1,613,616 alleles (0.00012%); highest among the groups gnomAD compares: African/African-American, 0.0013%; no homozygotes.

Submission:

Labcorp Genetics (formerly Invitae), Labcorp
Classification: Uncertain significance for Developmental and epileptic encephalopathy, 23. Last evaluated: 2019-10-29. Review status: criteria provided, single submitter. Criteria: Invitae Variant Classification Sherloc (09022015). Collection method: clinical testing. Allele origin: germline.
Comment: In summary, the available evidence is currently insufficient to determine the role of this variant in disease. Therefore, it has been classified as a Variant of Uncertain Significance. Experimental studies and prediction algorithms are not available or were not evaluated, and the functional significance of this variant is currently unknown. This variant has not been reported in the literature in individuals with DOCK7-related conditions. This variant is not present in population databases (ExAC no frequency). This sequence change results in a frameshift in the DOCK7 gene (p.*2130Serext*61). While this is not anticipated to result in nonsense mediated decay, it is expected to extend the protein by an additional 61 amino acids.